The following is an entry in ClinVar:

ClinVar aggregate classification (germline): Uncertain significance (1 of 4 stars; one submission).

Allele frequency attached by ClinVar (database versions not stated): TOPMed below 0.00001; gnomAD exomes 0.00001.
gnomAD v4.1: 14 of 1,612,984 alleles (0.00087%); highest among the groups gnomAD compares: Non-Finnish European, 0.0012%; no homozygotes.

Submission:

Labcorp Genetics (formerly Invitae), Labcorp
Classification: Uncertain significance. Last evaluated: 2021-03-24. Review status: criteria provided, single submitter. Criteria: Invitae Variant Classification Sherloc (09022015). Collection method: clinical testing. Allele origin: germline.
Comment: This variant is not present in population databases (ExAC no frequency). This variant has not been reported in the literature in individuals with CFB-related conditions. Algorithms developed to predict the effect of sequence changes on RNA splicing suggest that this variant may disrupt the consensus splice site, but this prediction has not been confirmed by published transcriptional studies. In summary, the available evidence is currently insufficient to determine the role of this variant in disease. Therefore, it has been classified as a Variant of Uncertain Significance. This sequence change falls in intron 7 of the CFB gene. It does not directly change the encoded amino acid sequence of the CFB protein.

NM_001710.6(CFB):c.1037-7T>G

Gene: CFB (complement factor B; plus strand). Cytogenetic location: 6p21.33.
Variant type: single nucleotide variant.
Coding change: c.1037-7T>G on transcript NM_001710.6 (MANE Select); 7 bases into the intron before coding-DNA position 1037, T replaced by G.
Molecular consequence: intron variant.
Genome position (GRCh38, 1-based): chr6:31,948,823, T>G. VCF-style: chr6-31948823-T-G. GRCh37 (hg19) VCF-style: chr6-31916600-T-G.
Identifiers: ClinVar variation 1486279 (VCV001486279.8), dbSNP rs1287066438, ClinGen allele CA823921469.